The following is an entry in ClinVar:

NM_001105206.3(LAMA4):c.2281A>G (p.Asn761Asp)

Gene: LAMA4 (laminin subunit alpha 4; minus strand). Cytogenetic location: 6q21.
Variant type: single nucleotide variant.
Coding change: c.2281A>G on transcript NM_001105206.3 (MANE Select); coding-DNA position 2281, A replaced by G.
Protein change: p.Asn761Asp; replaces asparagine 761 with aspartic acid.
Molecular consequence: missense variant.
Genome position (GRCh38, 1-based): chr6:112,148,229, T>C on the plus strand (A>G on the coding strand, the complement: LAMA4 is on the minus strand). VCF-style: chr6-112148229-T-C. GRCh37 (hg19) VCF-style: chr6-112469431-T-C.
Other names: c.2260A>G, p.Asn754Asp (NM_001105207.3, NM_002290.5); short protein forms N754D, N761D.
Identifiers: ClinVar variation 1788622 (VCV001788622.2), dbSNP rs1780153119, ClinGen allele CA365383560.

ClinVar aggregate classification (germline): Uncertain significance (1 of 4 stars; one submission).

Conditions:
Cardiovascular phenotype. Identifiers: MedGen CN230736.

Submission:

Ambry Genetics
Classification: Uncertain significance for Cardiovascular phenotype. Last evaluated: 2018-06-20. Review status: criteria provided, single submitter. Criteria: Ambry Variant Classification Scheme 2023. Collection method: clinical testing. Allele origin: germline.
Comment: The p.N754D variant (also known as c.2260A>G), located in coding exon 17 of the LAMA4 gene, results from an A to G substitution at nucleotide position 2260. The asparagine at codon 754 is replaced by aspartic acid, an amino acid with highly similar properties. This amino acid position is not well conserved in available vertebrate species. In addition, this alteration is predicted to be tolerated by in silico analysis. Since supporting evidence is limited at this time, the clinical significance of this alteration remains unclear.